The following is an entry in ClinVar:

ClinVar aggregate classification (germline): Benign (1 of 4 stars; one submission).

Allele frequency attached by ClinVar (database versions not stated): gnomAD 0.04876 and 0.05088; TOPMed 0.05843; 1000 Genomes Project 30x 0.09260; 1000 Genomes Project 0.09405.
gnomAD v4.1: 41,227 of 1,284,440 alleles (3.2%); highest among the groups gnomAD compares: East Asian, 20%; 2,188 homozygotes.

Submission:

GeneDx
Classification: Benign. Last evaluated: 2018-06-14. Review status: criteria provided, single submitter. Criteria: GeneDx Variant Classification (06012015). Collection method: clinical testing. Allele origin: germline. Affected: yes.
Comment: This variant is considered likely benign or benign based on one or more of the following criteria: it is a conservative change, it occurs at a poorly conserved position in the protein, it is predicted to be benign by multiple in silico algorithms, and/or has population frequency not consistent with disease.

NM_004100.5(EYA4):c.970+92G>A

Gene: EYA4 (EYA transcriptional coactivator and phosphatase 4; plus strand). Cytogenetic location: 6q23.2.
Variant type: single nucleotide variant.
Coding change: c.970+92G>A on transcript NM_004100.5 (MANE Select); 92 bases into the intron after coding-DNA position 970, G replaced by A.
Molecular consequence: intron variant.
Genome position (GRCh38, 1-based): chr6:133,468,823, G>A. VCF-style: chr6-133468823-G-A. GRCh37 (hg19) VCF-style: chr6-133789961-G-A.
Other names: c.988+74G>A (NM_001301013.2); c.970+92G>A (NM_172105.4); c.901+92G>A (NM_001370458.1, NM_172103.4); c.826+74G>A (NM_001370459.1); c.808+92G>A (NM_001301012.2).
Identifiers: ClinVar variation 674895 (VCV000674895.1), dbSNP rs17062582, ClinGen allele CA12357778.
Genomic context (GRCh38, chr6:133,468,823, plus strand): 5'-ATATGTTTTGCAATATCTAATAAAACGGAGAAAGTGGACATTCCAAAAACATGGCGGAAA[G>A]CTCCCAGATAATTGTGCTGATGTTTAATCTGTGTTAGCATGACTGTGTAAGACGAGGCTC-3'